The following is an entry in ClinVar:

NC_000002.12:g.(?_32063826)_(32098897_?)del

Gene: SPAST (spastin; plus strand). Cytogenetic location: 2p22.3.
Variant type: Deletion.
Identifiers: ClinVar variation 832003 (VCV000832003.1).

ClinVar aggregate classification (germline): Pathogenic (1 of 4 stars; one submission).

Conditions:
Hereditary spastic paraplegia 4. Also called: Spastic paraplegia 4, autosomal dominant; Spastic Paraplegia 4; Familial spastic paraplegia autosomal dominant 2. Identifiers: Orphanet 100985, MedGen C1866855, MONDO:0008438, OMIM 182601.

Submission:

Labcorp Genetics (formerly Invitae), Labcorp
Classification: Pathogenic for Spastic paraplegia 4, autosomal dominant. Last evaluated: 2019-10-21. Review status: criteria provided, single submitter. Criteria: Invitae Variant Classification Sherloc (09022015). Collection method: clinical testing. Allele origin: germline.
Comment: This variant is a gross deletion of the genomic region encompassing exons 1 through 4 of the SPAST gene, which includes the initiator codon. The 5' end of this event is unknown as it extends beyond the assayed region for this gene and therefore may encompass additional genes. The 3' boundary is likely confined to intron 4 of the SPAST gene. Truncating variants in SPAST are known to be pathogenic (PMID: 20562464, 17035675). A similar deletion encompassing exons 1 through 4 of the SPAST gene has been reported to segregate with hereditary spastic paraplegia (HSP) in a single family. Of the five family members identified with the deletion, four displayed clinical symptoms of HSP (PMID: 24690193). For these reasons, this variant has been classified as Pathogenic.

Literature cited by the submitters: PubMed 24690193; PubMed 20562464; PubMed 17035675.